The following is an entry in ClinVar:

ClinVar aggregate classification (germline): Likely benign. Review status: criteria provided, multiple submitters, no conflicts (2 of 4 stars). 3 submissions from 3 submitters: Likely benign (3). Last evaluated 2026-07-01.

Allele frequency attached by ClinVar (database versions not stated): 1000 Genomes Project 0.00020; ExAC 0.00028; 1000 Genomes Project 30x 0.00031; TOPMed 0.00037; ESP Exome Variant Server 0.00039; gnomAD exomes 0.00039 and 0.00061; gnomAD 0.00047 and 0.00050.

Submissions (3):

CeGaT Center for Human Genetics Tuebingen
Classification: Likely benign. Last evaluated: 2026-07-01. Review status: criteria provided, single submitter. Criteria: CeGaT Center For Human Genetics Tuebingen Variant Classification Criteria Version 2. Collection method: clinical testing. Allele origin: germline. Affected: yes. Observed: 1 variant allele.
Comment: DNAJB13: BP4, BP7

Labcorp Genetics (formerly Invitae), Labcorp
Classification: Likely benign. Last evaluated: 2026-01-25. Review status: criteria provided, single submitter. Criteria: Invitae Variant Classification Sherloc (09022015). Collection method: clinical testing. Allele origin: germline.

Blueprint Genetics
Classification: Likely benign. Last evaluated: 2024-08-28. Review status: criteria provided, single submitter. Criteria: ACMG Guidelines, 2015. Collection method: clinical testing. Allele origin: germline.

NM_153614.4(DNAJB13):c.156C>T (p.Tyr52=)

Gene: DNAJB13 (DnaJ heat shock protein family (Hsp40) member B13; plus strand). Cytogenetic location: 11q13.4.
Variant type: single nucleotide variant.
Coding change: c.156C>T on transcript NM_153614.4 (MANE Select); coding-DNA position 156, C replaced by T.
Protein change: p.Tyr52=; no amino-acid change (tyrosine 52 retained).
Molecular consequence: synonymous variant. On other transcripts: 5 prime UTR variant (1).
Genome position (GRCh38, 1-based): chr11:73,958,404, C>T. VCF-style: chr11-73958404-C-T. GRCh37 (hg19) VCF-style: chr11-73669449-C-T.
Other names: c.-150C>T (NM_001377263.1).
Identifiers: ClinVar variation 1569493 (VCV001569493.10), dbSNP rs146073659, ClinGen allele CA6180611.